The following is an entry in ClinVar:

ClinVar aggregate classification (germline): Uncertain significance. Review status: criteria provided, multiple submitters, no conflicts (2 of 4 stars). 2 submissions from 2 submitters: Uncertain significance (2). Last evaluated 2022-07-17.

Allele frequency attached by ClinVar (database versions not stated): gnomAD exomes below 0.00001; ExAC 0.00001; gnomAD 0.00001; TOPMed 0.00003.
gnomAD v4.1: 7 of 1,608,902 alleles (0.00044%); highest among the groups gnomAD compares: East Asian, 0.0045%; no homozygotes.

Submissions (2):

Labcorp Genetics (formerly Invitae), Labcorp
Classification: Uncertain significance. Last evaluated: 2022-07-17. Review status: criteria provided, single submitter. Criteria: Invitae Variant Classification Sherloc (09022015). Collection method: clinical testing. Allele origin: germline.
Comment: This sequence change replaces valine, which is neutral and non-polar, with alanine, which is neutral and non-polar, at codon 1406 of the ATRN protein (p.Val1406Ala). This variant is present in population databases (rs749611599, gnomAD 0.02%). This variant has not been reported in the literature in individuals affected with ATRN-related conditions. Algorithms developed to predict the effect of missense changes on protein structure and function output the following: SIFT: "Tolerated"; PolyPhen-2: "Benign"; Align-GVGD: "Class C0". The alanine amino acid residue is found in multiple mammalian species, which suggests that this missense change does not adversely affect protein function. In summary, the available evidence is currently insufficient to determine the role of this variant in disease. Therefore, it has been classified as a Variant of Uncertain Significance.

Ambry Genetics
Classification: Uncertain significance. Last evaluated: 2021-11-09. Review status: criteria provided, single submitter. Criteria: Ambry Variant Classification Scheme 2023. Collection method: clinical testing. Allele origin: germline.

NM_139321.3(ATRN):c.4217T>C (p.Val1406Ala)

Gene: ATRN (attractin; plus strand). Cytogenetic location: 20p13.
Variant type: single nucleotide variant.
Coding change: c.4217T>C on transcript NM_139321.3 (MANE Select); coding-DNA position 4217, T replaced by C.
Protein change: p.Val1406Ala; replaces valine 1406 with alanine.
Molecular consequence: missense variant.
Genome position (GRCh38, 1-based): chr20:3,646,774, T>C. VCF-style: chr20-3646774-T-C. GRCh37 (hg19) VCF-style: chr20-3627421-T-C.
Other names: short protein forms V1406A.
Identifiers: ClinVar variation 1941672 (VCV001941672.6), dbSNP rs749611599, ClinGen allele CA9744774.